The following is an entry in ClinVar:

NM_021008.4(DEAF1):c.73G>A (p.Val25Met)

Gene: DEAF1 (DEAF1 transcription factor; minus strand). Cytogenetic location: 11p15.5.
Variant type: single nucleotide variant.
Coding change: c.73G>A on transcript NM_021008.4 (MANE Select); coding-DNA position 73, G replaced by A.
Protein change: p.Val25Met; replaces valine 25 with methionine.
Molecular consequence: missense variant. On other transcripts: intron variant (1).
Genome position (GRCh38, 1-based): chr11:694,975, C>T on the plus strand (G>A on the coding strand, the complement: DEAF1 is on the minus strand). VCF-style: chr11-694975-C-T. GRCh37 (hg19) VCF-style: chr11-694975-C-T.
Other names: c.73G>A, p.Val25Met (NM_001293634.2); c.-437-3377G>A (NM_001367390.1); short protein forms V25M.
Identifiers: ClinVar variation 1878419 (VCV001878419.6), dbSNP rs748733207, ClinGen allele CA378940365.

ClinVar aggregate classification (germline): Uncertain significance. Review status: criteria provided, multiple submitters, no conflicts (2 of 4 stars). 2 submissions from 2 submitters: Uncertain significance (2). Last evaluated 2023-11-27.

Allele frequency attached by ClinVar (database versions not stated): gnomAD exomes 0.00001.

Submissions (2):

Labcorp Genetics (formerly Invitae), Labcorp
Classification: Uncertain significance. Last evaluated: 2023-11-27. Review status: criteria provided, single submitter. Criteria: Invitae Variant Classification Sherloc (09022015). Collection method: clinical testing. Allele origin: germline.
Comment: This sequence change replaces valine, which is neutral and non-polar, with methionine, which is neutral and non-polar, at codon 25 of the DEAF1 protein (p.Val25Met). This variant is not present in population databases (gnomAD no frequency). This variant has not been reported in the literature in individuals affected with DEAF1-related conditions. ClinVar contains an entry for this variant (Variation ID: 1878419). Advanced modeling of protein sequence and biophysical properties (such as structural, functional, and spatial information, amino acid conservation, physicochemical variation, residue mobility, and thermodynamic stability) performed at Invitae indicates that this missense variant is not expected to disrupt DEAF1 protein function with a negative predictive value of 80%. In summary, the available evidence is currently insufficient to determine the role of this variant in disease. Therefore, it has been classified as a Variant of Uncertain Significance.

Women's Health and Genetics/Laboratory Corporation of America, LabCorp
Classification: Uncertain significance. Last evaluated: 2022-12-30. Review status: criteria provided, single submitter. Criteria: LabCorp Variant Classification Summary - May 2015. Collection method: clinical testing. Allele origin: germline.
Comment: Variant summary: DEAF1 c.73G>A (p.Val25Met) results in a conservative amino acid change in the encoded protein sequence. Four of five in-silico tools predict a benign effect of the variant on protein function. The variant was absent in 27450 control chromosomes. The available data on variant occurrences in the general population are insufficient to allow any conclusion about variant significance. To our knowledge, no occurrence of c.73G>A in individuals affected with Mental Retardation, Autosomal Dominant 24 and no experimental evidence demonstrating its impact on protein function have been reported. No clinical diagnostic laboratories have submitted clinical-significance assessments for this variant to ClinVar after 2014. Based on the evidence outlined above, the variant was classified as uncertain significance.